The following is an entry in ClinVar:

NM_001394998.1(TANC2):c.2962T>G (p.Ser988Ala)

Genes: TANC2 (tetratricopeptide repeat, ankyrin repeat and coiled-coil containing 2; plus strand), LOC105371856 (uncharacterized LOC105371856; minus strand). Cytogenetic location: 17q23.3.
Variant type: single nucleotide variant.
Coding change: c.2962T>G on transcript NM_001394998.1 (MANE Select); coding-DNA position 2962, T replaced by G.
Protein change: p.Ser988Ala; replaces serine 988 with alanine.
Molecular consequence: missense variant.
Genome position (GRCh38, 1-based): chr17:63,389,455, T>G. VCF-style: chr17-63389455-T-G. GRCh37 (hg19) VCF-style: chr17-61466816-T-G.
Other names: c.2740T>G, p.Ser914Ala (NM_001411076.1, NM_025185.4); short protein forms S914A, S988A.
Identifiers: ClinVar variation 2482478 (VCV002482478.3), dbSNP rs745840520, ClinGen allele CA8697886.

ClinVar aggregate classification (germline): Uncertain significance (1 of 4 stars; one submission).

Conditions:
Inborn genetic diseases. Identifiers: MedGen C0950123, MeSH D030342.

Allele frequency attached by ClinVar (database versions not stated): ExAC 0.00001; gnomAD 0.00001; gnomAD exomes 0.00001.
gnomAD v4.1: 18 of 1,613,828 alleles (0.0011%); highest among the groups gnomAD compares: Non-Finnish European, 0.0014%; no homozygotes.

Submission:

Ambry Genetics
Classification: Uncertain significance for Inborn genetic diseases. Last evaluated: 2023-03-27. Review status: criteria provided, single submitter. Criteria: Ambry Variant Classification Scheme 2023. Collection method: clinical testing. Allele origin: germline.
Comment: The c.2740T>G (p.S914A) alteration is located in exon 15 (coding exon 15) of the TANC2 gene. This alteration results from a T to G substitution at nucleotide position 2740, causing the serine (S) at amino acid position 914 to be replaced by an alanine (A). Based on data from gnomAD, the G allele has an overall frequency of <0.001% (1/248718) total alleles studied. The highest observed frequency was 0.001% (1/112682) of European (non-Finnish) alleles. This amino acid position is not well conserved in available vertebrate species. This alteration is predicted to be tolerated by in silico analysis. Based on insufficient or conflicting evidence, the clinical significance of this alteration remains unclear.